The following is an entry in ClinVar:

NM_002103.5(GYS1):c.21G>C (p.Leu7Phe)

Gene: GYS1 (glycogen synthase 1; minus strand). Cytogenetic location: 19q13.33.
Variant type: single nucleotide variant.
Coding change: c.21G>C on transcript NM_002103.5 (MANE Select); coding-DNA position 21, G replaced by C.
Protein change: p.Leu7Phe; replaces leucine 7 with phenylalanine.
Molecular consequence: missense variant. On other transcripts: non-coding transcript variant (1).
Genome position (GRCh38, 1-based): chr19:48,993,092, C>G on the plus strand (G>C on the coding strand, the complement: GYS1 is on the minus strand). VCF-style: chr19-48993092-C-G. GRCh37 (hg19) VCF-style: chr19-49496349-C-G.
Other names: c.21G>C, p.Leu7Phe (NM_001161587.2); short protein forms L7F.
Identifiers: ClinVar variation 1380351 (VCV001380351.5), dbSNP rs1437155160, ClinGen allele CA406767113.

ClinVar aggregate classification (germline): Uncertain significance (1 of 4 stars; one submission).

Conditions:
Glycogen storage disease due to muscle and heart glycogen synthase deficiency. Also called: MUSCLE GLYCOGEN SYNTHASE DEFICIENCY; GSD 0b. Identifiers: Orphanet 137625, MedGen C1969054, MONDO:0012693, OMIM 611556.

Allele frequency attached by ClinVar (database versions not stated): gnomAD exomes below 0.00001; gnomAD 0.00001.
gnomAD v4.1: 3 of 1,610,138 alleles (0.00019%); highest among the groups gnomAD compares: African/African-American, 0.004%; no homozygotes.

Submission:

Labcorp Genetics (formerly Invitae), Labcorp
Classification: Uncertain significance for Glycogen storage disease due to muscle and heart glycogen synthase deficiency. Last evaluated: 2021-09-01. Review status: criteria provided, single submitter. Criteria: Invitae Variant Classification Sherloc (09022015). Collection method: clinical testing. Allele origin: germline.
Comment: This sequence change replaces leucine with phenylalanine at codon 7 of the GYS1 protein (p.Leu7Phe). The leucine residue is moderately conserved and there is a small physicochemical difference between leucine and phenylalanine. This variant is not present in population databases (ExAC no frequency). This variant has not been reported in the literature in individuals affected with GYS1-related conditions. Algorithms developed to predict the effect of missense changes on protein structure and function are either unavailable or do not agree on the potential impact of this missense change (SIFT: "Tolerated"; PolyPhen-2: "Probably Damaging"; Align-GVGD: "Class C0"). In summary, the available evidence is currently insufficient to determine the role of this variant in disease. Therefore, it has been classified as a Variant of Uncertain Significance.